The following is an entry in ClinVar:

NM_016013.4(NDUFAF1):c.708G>A (p.Met236Ile)

Gene: NDUFAF1 (NADH:ubiquinone oxidoreductase complex assembly factor 1; minus strand). Cytogenetic location: 15q15.1.
Variant type: single nucleotide variant.
Coding change: c.708G>A on transcript NM_016013.4 (MANE Select); coding-DNA position 708, G replaced by A.
Protein change: p.Met236Ile; replaces methionine 236 with isoleucine.
Molecular consequence: missense variant. On other transcripts: non-coding transcript variant (1).
Genome position (GRCh38, 1-based): chr15:41,394,910, C>T on the plus strand (G>A on the coding strand, the complement: NDUFAF1 is on the minus strand). VCF-style: chr15-41394910-C-T. GRCh37 (hg19) VCF-style: chr15-41687108-C-T.
Other names: p.M236I:ATG>ATA; short protein forms M236I.
Identifiers: ClinVar variation 211580 (VCV000211580.60), dbSNP rs150539399, ClinGen allele CA319696.
Genomic context (GRCh38, chr15:41,394,910, plus strand): 5'-TGCTGTTACCTTGACCTCCTGCCAGTAGGGTCCCCCGCGGGTGAACATGAAGTAACTATA[C>T]ATCTGATTCGTCCTCTGGAAGAAATCTGTGTCCTCCTTGATATTCACCATCCAAGGCCGA-3'
Protein context (NP_057097.2, residues 226-246): DTDFFQRTNQ[Met236Ile]YSYFMFTRGG

ClinVar aggregate classification (germline): Conflicting classifications of pathogenicity. Review status: criteria provided, conflicting classifications (1 of 4 stars). 9 submissions from 9 submitters: Uncertain significance (1); Likely benign (6). 2 of the submissions do not count toward it. Last evaluated 2025-11-10.

Conditions:
NDUFAF1-related disorder. Also called: NDUFAF1-related condition.
Mitochondrial complex I deficiency, nuclear type 1. Also called: NADH-COENZYME Q REDUCTASE DEFICIENCY; MITOCHONDRIAL NADH DEHYDROGENASE COMPONENT OF COMPLEX I, DEFICIENCY OF. Identifiers: MedGen C6022305, MONDO:0100224, OMIM 252010.

Allele frequency attached by ClinVar (database versions not stated): 1000 Genomes Project 0.00040; 1000 Genomes Project 30x 0.00047; gnomAD 0.00102 and 0.00106; TOPMed 0.00114; gnomAD exomes 0.00124 and 0.00185; ExAC 0.00134; ESP Exome Variant Server 0.00192.
gnomAD v4.1: 2,816 of 1,614,146 alleles (0.17%); highest among the groups gnomAD compares: Non-Finnish European, 0.22%; 6 homozygotes.

Submissions (9):

Labcorp Genetics (formerly Invitae), Labcorp
Classification: Likely benign. Last evaluated: 2025-11-10. Review status: criteria provided, single submitter. Criteria: Invitae Variant Classification Sherloc (09022015). Collection method: clinical testing. Allele origin: germline.

CeGaT Center for Human Genetics Tuebingen
Classification: Likely benign. Last evaluated: 2024-12-01. Review status: criteria provided, single submitter. Criteria: CeGaT Center For Human Genetics Tuebingen Variant Classification Criteria Version 2. Collection method: clinical testing. Allele origin: germline. Affected: yes. Observed: 8 variant alleles.
Comment: NDUFAF1: BP4, BS2

Blueprint Genetics
Classification: Likely benign. Last evaluated: 2024-11-26. Review status: criteria provided, single submitter. Criteria: ACMG Guidelines, 2015. Collection method: clinical testing. Allele origin: germline.

GeneDx
Classification: Likely benign. Last evaluated: 2020-09-05. Review status: criteria provided, single submitter. Criteria: GeneDx Variant Classification Process June 2021. Collection method: clinical testing. Allele origin: germline. Affected: yes.

Genetic Services Laboratory, University of Chicago
Classification: Likely benign. Last evaluated: 2020-01-21. Review status: criteria provided, single submitter. Criteria: ACMG Guidelines, 2015. Collection method: clinical testing. Allele origin: germline. Affected: no.

Illumina Laboratory Services, Illumina
Classification: Uncertain significance for Mitochondrial complex I deficiency, nuclear type 1. Last evaluated: 2018-01-12. Review status: criteria provided, single submitter. Criteria: ICSL Variant Classification Criteria 13 December 2019. Collection method: clinical testing. Allele origin: germline.

Center for Pediatric Genomic Medicine, Children's Mercy Hospital and Clinics
Classification: Likely benign. Last evaluated: 2016-08-05. Review status: criteria provided, single submitter. Criteria: ACMG Guidelines, 2015. Collection method: clinical testing. Allele origin: germline.
ClinVar note: Converted during submission from Likely Benign to Likely benign.

PreventionGenetics, part of Exact Sciences
Classification: Likely benign for NDUFAF1-related condition. Last evaluated: 2024-04-18. Review status: no assertion criteria provided. Collection method: clinical testing. Allele origin: germline. Not counted in ClinVar's aggregate classification.
Comment: This variant is classified as likely benign based on ACMG/AMP sequence variant interpretation guidelines (Richards et al. 2015 PMID: 25741868, with internal and published modifications).

Mayo Clinic Laboratories, Mayo Clinic
Classification: Uncertain significance. Last evaluated: 2017-11-08. Review status: no assertion criteria provided. Collection method: clinical testing. Allele origin: unknown. Not counted in ClinVar's aggregate classification.